The following is an entry in ClinVar:

NM_000051.4(ATM):c.1449C>A (p.Leu483=)

Gene: ATM (ATM serine/threonine kinase; plus strand). Cytogenetic location: 11q22.3.
Variant type: single nucleotide variant.
Coding change: c.1449C>A on transcript NM_000051.4 (MANE Select); coding-DNA position 1449, C replaced by A.
Protein change: p.Leu483=; no amino-acid change (leucine 483 retained).
Molecular consequence: synonymous variant.
Genome position (GRCh38, 1-based): chr11:108,250,914, C>A. VCF-style: chr11-108250914-C-A. GRCh37 (hg19) VCF-style: chr11-108121641-C-A.
Other names: c.1449C>A, p.Leu483= (NM_001351834.2).
Identifiers: ClinVar variation 3254127 (VCV003254127.1), dbSNP rs948934905.

ClinVar aggregate classification (germline): Benign (1 of 4 stars; one submission).

Conditions:
Familial cancer of breast. Also called: BREAST CANCER, FAMILIAL; Hereditary breast cancer; hereditary breast carcinoma. Identifiers: Orphanet 227535, MedGen C0346153, MONDO:0016419, OMIM 114480. Disease mechanism: loss of function.

Submission:

Myriad Genetics, Inc.
Classification: Benign for Familial cancer of breast. Last evaluated: 2024-04-29. Review status: criteria provided, single submitter. Criteria: Myriad Autosomal Dominant, Autosomal Recessive and X-Linked Classification Criteria (2023). Collection method: clinical testing. Allele origin: unknown.
Comment: This variant is considered benign. This variant is a silent/synonymous amino acid change and it is not expected to impact splicing.